The following is an entry in ClinVar:

ClinVar aggregate classification (germline): Pathogenic (1 of 4 stars; one submission).

Conditions:
Primary ciliary dyskinesia 3. Identifiers: Orphanet 244, MedGen C1837618, MONDO:0012085, OMIM 608644.

Submission:

Myriad Genetics, Inc.
Classification: Pathogenic for Primary ciliary dyskinesia 3. Last evaluated: 2024-05-14. Review status: criteria provided, single submitter. Criteria: Myriad Autosomal Dominant, Autosomal Recessive and X-Linked Classification Criteria (2023). Collection method: clinical testing. Allele origin: unknown.
Comment: NM_001369.2(DNAH5):c.4659_4660ins8(E1554Kfs*23) is expected to be pathogenic in the context of primary ciliary dyskinesia, DNAH5-related. This variant is predicted to lead to an abnormal or absent protein product due to the creation of a premature termination codon in DNAH5, a gene where loss-of-function variants are known to be pathogenic. Please note: this variant was assessed in the context of healthy population screening.

NM_001369.3(DNAH5):c.4659_4660insAAGAGACA (p.Glu1554fs)

Genes: DNAH5-AS1 (DNAH5 antisense RNA 1; plus strand), DNAH5 (dynein axonemal heavy chain 5; minus strand). Cytogenetic location: 5p15.2.
Variant type: Insertion.
Coding change: c.4659_4660insAAGAGACA on transcript NM_001369.3 (MANE Select); coding-DNA positions 4659 to 4660, AAGAGACA inserted.
Protein change: p.Glu1554fs; shifts the reading frame from glutamic acid 1554.
Molecular consequence: frameshift variant.
Genome position: GRCh38 VCF-style: chr5-13862684-C-CTGTCTCTT. GRCh37 (hg19) VCF-style: chr5-13862793-C-CTGTCTCTT.
Other names: short protein forms E1554fs.
Identifiers: ClinVar variation 5010900 (VCV005010900.1).